The following is an entry in ClinVar:

NM_014264.5(PLK4):c.1632A>C (p.Lys544Asn)

Gene: PLK4 (polo like kinase 4; plus strand). Cytogenetic location: 4q28.1.
Variant type: single nucleotide variant.
Coding change: c.1632A>C on transcript NM_014264.5 (MANE Select); coding-DNA position 1632, A replaced by C.
Protein change: p.Lys544Asn; replaces lysine 544 with asparagine.
Molecular consequence: missense variant.
Genome position (GRCh38, 1-based): chr4:127,890,038, A>C. VCF-style: chr4-127890038-A-C. GRCh37 (hg19) VCF-style: chr4-128811193-A-C.
Other names: c.1536A>C, p.Lys512Asn (NM_001190799.2); c.1509A>C, p.Lys503Asn (NM_001190801.2); c.1632A>C (NM_014264.4); short protein forms K503N, K512N, K544N.
Identifiers: ClinVar variation 1051331 (VCV001051331.4), dbSNP rs779177164, ClinGen allele CA3076818.
Genomic context (GRCh38, chr4:127,890,038, plus strand): 5'-CAAAAAGAACTCTGATGCTTCTGATAATGCACATTCTGTAAAACAGCAAAATACCATGAA[A>C]TATATGACTGCACTTCACAGTAAACCTGAGATAATCCAACAAGAATGTGTTTTTGGCTCA-3'
Protein context (NP_055079.3, residues 534-554): AHSVKQQNTM[Lys544Asn]YMTALHSKPE

ClinVar aggregate classification (germline): Uncertain significance. Review status: criteria provided, multiple submitters, no conflicts (2 of 4 stars). 2 submissions from 2 submitters: Uncertain significance (2). Last evaluated 2025-11-10.

Conditions:
Inborn genetic diseases. Identifiers: MedGen C0950123, MeSH D030342.

Allele frequency attached by ClinVar (database versions not stated): gnomAD exomes below 0.00001; ExAC 0.00001; gnomAD 0.00001; TOPMed 0.00003.
gnomAD v4.1: 4 of 1,613,804 alleles (0.00025%); highest among the groups gnomAD compares: Non-Finnish European, 0.00034%; no homozygotes.

Submissions (2):

Labcorp Genetics (formerly Invitae), Labcorp
Classification: Uncertain significance. Last evaluated: 2025-11-10. Review status: criteria provided, single submitter. Criteria: Invitae Variant Classification Sherloc (09022015). Collection method: clinical testing. Allele origin: germline.
Comment: This sequence change replaces lysine, which is basic and polar, with asparagine, which is neutral and polar, at codon 544 of the PLK4 protein (p.Lys544Asn). This variant is present in population databases (rs779177164, gnomAD 0.002%). This variant has not been reported in the literature in individuals affected with PLK4-related conditions. ClinVar contains an entry for this variant (Variation ID: 1051331). An algorithm developed to predict the effect of missense changes on protein structure and function (PolyPhen-2) suggests that this variant is likely to be tolerated. In summary, the available evidence is currently insufficient to determine the role of this variant in disease. Therefore, it has been classified as a Variant of Uncertain Significance.

Ambry Genetics
Classification: Uncertain significance for Inborn genetic diseases. Last evaluated: 2025-01-29. Review status: criteria provided, single submitter. Criteria: Ambry Variant Classification Scheme 2023. Collection method: clinical testing. Allele origin: germline.